The following is an entry in ClinVar:

ClinVar aggregate classification (germline): Uncertain significance (1 of 4 stars; one submission).

Conditions:
Dyskeratosis congenita. Identifiers: Orphanet 1775, MedGen C0265965, MONDO:0015780.

Submission:

Ambry Genetics
Classification: Uncertain significance for Dyskeratosis congenita. Last evaluated: 2026-01-04. Review status: criteria provided, single submitter. Criteria: Ambry Variant Classification Scheme 2023. Collection method: clinical testing. Allele origin: germline.
Comment: The p.T719S variant (also known as c.2156C>G), located in coding exon 6 of the TERT gene, results from a C to G substitution at nucleotide position 2156. The threonine at codon 719 is replaced by serine, an amino acid with similar properties. This amino acid position is conserved. In addition, this alteration is predicted to be tolerated by in silico analysis. Based on the available evidence, the clinical significance of this variant remains unclear.

NM_198253.3(TERT):c.2156C>G (p.Thr719Ser)

Gene: TERT (telomerase reverse transcriptase; minus strand). Cytogenetic location: 5p15.33.
Variant type: single nucleotide variant.
Coding change: c.2156C>G on transcript NM_198253.3 (MANE Select); coding-DNA position 2156, C replaced by G.
Protein change: p.Thr719Ser; replaces threonine 719 with serine.
Molecular consequence: missense variant. On other transcripts: non-coding transcript variant (1).
Genome position (GRCh38, 1-based): chr5:1,278,771, G>C on the plus strand (C>G on the coding strand, the complement: TERT is on the minus strand). VCF-style: chr5-1278771-G-C. GRCh37 (hg19) VCF-style: chr5-1278886-G-C.
Other names: c.2156C>G, p.Thr719Ser (NM_001193376.3); short protein forms T719S.
Identifiers: ClinVar variation 4843991 (VCV004843991.1).